The following is an entry in ClinVar:

NM_016642.4(SPTBN5):c.7642C>G (p.Arg2548Gly)

Gene: SPTBN5 (spectrin beta, non-erythrocytic 5; minus strand). Cytogenetic location: 15q15.1.
Variant type: single nucleotide variant.
Coding change: c.7642C>G on transcript NM_016642.4 (MANE Select); coding-DNA position 7642, C replaced by G.
Protein change: p.Arg2548Gly; replaces arginine 2548 with glycine.
Molecular consequence: missense variant.
Genome position (GRCh38, 1-based): chr15:41,861,830, G>C on the plus strand (C>G on the coding strand, the complement: SPTBN5 is on the minus strand). VCF-style: chr15-41861830-G-C. GRCh37 (hg19) VCF-style: chr15-42154028-G-C.
Other names: short protein forms R2548G.
Identifiers: ClinVar variation 2630766 (VCV002630766.1), dbSNP rs368720228, ClinGen allele CA269745947.

ClinVar aggregate classification (germline): Uncertain significance (1 of 4 stars; one submission).

Conditions:
SPTBN5-related disorder. Also called: SPTBN5-related condition.

gnomAD v4.1: 8 of 1,603,900 alleles (0.0005%); highest among the groups gnomAD compares: Non-Finnish European, 0.00068%; no homozygotes.

Submission:

PreventionGenetics, part of Exact Sciences
Classification: Uncertain significance for SPTBN5-related condition. Last evaluated: 2023-08-24. Review status: criteria provided, single submitter. Criteria: ACMG Guidelines, 2015. Collection method: clinical testing. Allele origin: germline.
Comment: The SPTBN5 c.7642C>G variant is predicted to result in the amino acid substitution p.Arg2548Gly. To our knowledge, this variant has not been reported in the literature or in a large population database, indicating this variant is rare. At this time, the clinical significance of this variant is uncertain due to the absence of conclusive functional and genetic evidence.